The following is an entry in ClinVar:

ClinVar aggregate classification (germline): Uncertain significance (1 of 4 stars; one submission).

Conditions:
Hereditary cancer-predisposing syndrome. Also called: Hereditary neoplastic syndrome; Neoplastic Syndromes, Hereditary; Tumor predisposition; Hereditary Cancer Syndrome. Identifiers: Orphanet 140162, MedGen C0027672, MeSH D009386, MONDO:0015356.

gnomAD v4.1: 1 of 1,614,146 alleles (0.000062%); highest among the groups gnomAD compares: African/African-American, 0.0013%; no homozygotes.

Submission:

Ambry Genetics
Classification: Uncertain significance for Hereditary cancer-predisposing syndrome. Last evaluated: 2024-12-19. Review status: criteria provided, single submitter. Criteria: Ambry Variant Classification Scheme 2023. Collection method: clinical testing. Allele origin: germline.
Comment: The p.I509V variant (also known as c.1525A>G), located in coding exon 13 of the FANCC gene, results from an A to G substitution at nucleotide position 1525. The isoleucine at codon 509 is replaced by valine, an amino acid with highly similar properties. This amino acid position is conserved. In addition, this alteration is predicted to be tolerated by in silico analysis. Based on the available evidence, the clinical significance of this variant remains unclear.

NM_000136.3(FANCC):c.1525A>G (p.Ile509Val)

Genes: FANCC (FA complementation group C; minus strand), AOPEP (aminopeptidase O (putative); plus strand). Cytogenetic location: 9q22.32.
Variant type: single nucleotide variant.
Coding change: c.1525A>G on transcript NM_000136.3 (MANE Select); coding-DNA position 1525, A replaced by G.
Protein change: p.Ile509Val; replaces isoleucine 509 with valine.
Molecular consequence: missense variant.
Genome position (GRCh38, 1-based): chr9:95,107,074, T>C on the plus strand (A>G on the coding strand, the complement: FANCC is on the minus strand). VCF-style: chr9-95107074-T-C. GRCh37 (hg19) VCF-style: chr9-97869356-T-C.
Other names: c.1525A>G, p.Ile509Val (NM_001243743.2); short protein forms I509V.
Identifiers: ClinVar variation 3848327 (VCV003848327.1).